The following is an entry in ClinVar:

NM_000218.3(KCNQ1):c.1173C>T (p.Thr391=)

Gene: KCNQ1 (potassium voltage-gated channel subfamily Q member 1; plus strand). Cytogenetic location: 11p15.5.
Variant type: single nucleotide variant.
Coding change: c.1173C>T on transcript NM_000218.3 (MANE Select); coding-DNA position 1173, C replaced by T.
Protein change: p.Thr391=; no amino-acid change (threonine 391 retained).
Molecular consequence: synonymous variant.
Genome position (GRCh38, 1-based): chr11:2,587,614, C>T. VCF-style: chr11-2587614-C-T. GRCh37 (hg19) VCF-style: chr11-2608844-C-T.
Other names: c.1077C>T, p.Thr359= (NM_001406836.1); c.903C>T, p.Thr301= (NM_001406837.1); c.633C>T, p.Thr211= (NM_001406838.1); c.792C>T, p.Thr264= (NM_181798.2).
Identifiers: ClinVar variation 227459 (VCV000227459.8), dbSNP rs770808054, ClinGen allele CA027533.

ClinVar aggregate classification (germline): Likely benign. Review status: criteria provided, multiple submitters, no conflicts (2 of 4 stars). 2 submissions from 2 submitters: Likely benign (2). Last evaluated 2018-10-17.

Conditions:
Cardiac arrhythmia. Also called: Cardiac rhythm disease; Arrhythmia. Identifiers: MedGen C0003811, MONDO:0007263, HP:0011675.

Allele frequency attached by ClinVar (database versions not stated): ExAC 0.00002; gnomAD exomes 0.00001.
gnomAD v4.1: 7 of 1,613,990 alleles (0.00043%); highest among the groups gnomAD compares: South Asian, 0.0077%; no homozygotes.

Submissions (2):

Color Diagnostics, LLC DBA Color Health
Classification: Likely benign for Arrhythmia. Last evaluated: 2018-10-17. Review status: criteria provided, single submitter. Criteria: ACMG Guidelines, 2015. Collection method: clinical testing. Allele origin: germline.

Laboratory for Molecular Medicine, Mass General Brigham Personalized Medicine
Classification: Likely benign. Last evaluated: 2015-02-20. Review status: criteria provided, single submitter. Criteria: LMM Criteria. Collection method: clinical testing. Allele origin: germline. Observed: 1 variant allele.
Comment: p.Thr391Thr in exon 9 of KCNQ1: This variant is not expected to have clinical si gnificance because it does not alter an amino acid residue and is not located wi thin the splice consensus sequence. It has been identified in 3/16510 of South A sian chromosomes by the Exome Aggregation Consortium (ExAC).